The following is an entry in ClinVar:

ClinVar aggregate classification (germline): Uncertain significance. Review status: criteria provided, multiple submitters, no conflicts (2 of 4 stars). 2 submissions from 2 submitters: Uncertain significance (2). Last evaluated 2022-10-24.

Conditions:
Inborn genetic diseases. Identifiers: MedGen C0950123, MeSH D030342.

Allele frequency attached by ClinVar (database versions not stated): ExAC 0.00003; ESP Exome Variant Server 0.00008; gnomAD 0.00010 and 0.00011; TOPMed 0.00013; 1000 Genomes Project 0.00020; 1000 Genomes Project 30x 0.00031.
gnomAD v4.1: 79 of 1,611,476 alleles (0.0049%); highest among the groups gnomAD compares: African/African-American, 0.025%; no homozygotes.

Submissions (2):

Labcorp Genetics (formerly Invitae), Labcorp
Classification: Uncertain significance. Last evaluated: 2022-10-24. Review status: criteria provided, single submitter. Criteria: Invitae Variant Classification Sherloc (09022015). Collection method: clinical testing. Allele origin: germline.
Comment: This sequence change replaces valine, which is neutral and non-polar, with isoleucine, which is neutral and non-polar, at codon 1208 of the LTBP2 protein (p.Val1208Ile). This variant is present in population databases (rs142023737, gnomAD 0.02%). This variant has not been reported in the literature in individuals affected with LTBP2-related conditions. ClinVar contains an entry for this variant (Variation ID: 1375984). Algorithms developed to predict the effect of missense changes on protein structure and function (SIFT, PolyPhen-2, Align-GVGD) all suggest that this variant is likely to be tolerated. In summary, the available evidence is currently insufficient to determine the role of this variant in disease. Therefore, it has been classified as a Variant of Uncertain Significance.

Ambry Genetics
Classification: Uncertain significance for Inborn genetic diseases. Last evaluated: 2021-12-14. Review status: criteria provided, single submitter. Criteria: Ambry Variant Classification Scheme 2023. Collection method: clinical testing. Allele origin: germline.

NM_000428.3(LTBP2):c.3622G>A (p.Val1208Ile)

Gene: LTBP2 (latent transforming growth factor beta binding protein 2; minus strand). Cytogenetic location: 14q24.3.
Variant type: single nucleotide variant.
Coding change: c.3622G>A on transcript NM_000428.3 (MANE Select); coding-DNA position 3622, G replaced by A.
Protein change: p.Val1208Ile; replaces valine 1208 with isoleucine.
Molecular consequence: missense variant.
Genome position (GRCh38, 1-based): chr14:74,508,634, C>T on the plus strand (G>A on the coding strand, the complement: LTBP2 is on the minus strand). VCF-style: chr14-74508634-C-T. GRCh37 (hg19) VCF-style: chr14-74975337-C-T.
Other names: c.3622G>A (NM_000428.2); short protein forms V1208I.
Identifiers: ClinVar variation 1375984 (VCV001375984.6), dbSNP rs142023737, ClinGen allele CA7269102.
Genomic context (GRCh38, chr14:74,508,634, plus strand): 5'-CCAGTAGAGGTAGCTGTGCTGGCTTCTCACCCTGGCAGCTGGTGCCCCCCTCTGCGCTGA[C>T]GAAGCCAGGCGCGCACAGACAGAAGAAAGACCCGTGGCTGTTGAGGCACTCGCCGTGGGG-3'
Protein context (NP_000419.1, residues 1198-1218): SFFCLCAPGF[Val1208Ile]SAEGGTSCQD